The following is an entry in ClinVar:

NM_002764.4(PRPS1):c.377C>T (p.Thr126Ile)

Gene: PRPS1 (phosphoribosyl pyrophosphate synthetase 1; plus strand). Cytogenetic location: Xq22.3.
Variant type: single nucleotide variant.
Coding change: c.377C>T on transcript NM_002764.4 (MANE Select); coding-DNA position 377, C replaced by T.
Protein change: p.Thr126Ile; replaces threonine 126 with isoleucine.
Molecular consequence: missense variant. On other transcripts: intron variant (1).
Genome position (GRCh38, 1-based): chrX:107,640,972, C>T. VCF-style: chrX-107640972-C-T. GRCh37 (hg19) VCF-style: chrX-106884202-C-T.
Other names: c.-82-4205C>T (NM_001204402.2); short protein forms T126I.
Identifiers: ClinVar variation 4813860 (VCV004813860.1).

ClinVar aggregate classification (germline): Likely pathogenic (1 of 4 stars; one submission).

Conditions:
Phosphoribosylpyrophosphate synthetase superactivity. Identifiers: Orphanet 3222, MedGen C1970827, MONDO:0010395, OMIM 300661.

Submission:

Genetics Research Center, University of Social Welfare and Rehabilitation Sciences
Classification: Likely pathogenic for Phosphoribosylpyrophosphate synthetase superactivity. Review status: criteria provided, single submitter. Criteria: ACMG Guidelines, 2015. Collection method: research. Allele origin: germline. Affected: yes.
Comment: The variant is not present in the gnomAD v2.1.1 dataset and has not been previously reported in individuals affected with hearing loss. In our study, the variant co-segregated with disease in two affected brothers with nonsyndromic hearing loss. The variant is located within a critical functional domain of the protein that is enriched for pathogenic variants, with no known benign variation reported in this region. It affects ribose-phosphate pyrophosphokinase 1, and structural modeling suggests a deleterious impact on enzyme function.